The following is an entry in ClinVar:

NM_001394062.1(MACF1):c.14110C>T (p.Gln4704Ter)

Gene: MACF1 (microtubule actin crosslinking factor 1; plus strand). Cytogenetic location: 1p34.3.
Variant type: single nucleotide variant.
Coding change: c.14110C>T on transcript NM_001394062.1 (MANE Select); coding-DNA position 14110, C replaced by T.
Protein change: p.Gln4704Ter; replaces glutamine 4704 with a stop codon.
Molecular consequence: nonsense.
Genome position (GRCh38, 1-based): chr1:39,385,695, C>T. VCF-style: chr1-39385695-C-T. GRCh37 (hg19) VCF-style: chr1-39851367-C-T.
Other names: c.7924C>T, p.Gln2642Ter (NM_012090.5); short protein forms Q2642*, Q4704*.
Identifiers: ClinVar variation 1034851 (VCV001034851.6), dbSNP rs1650635239, ClinGen allele CA339835413.

ClinVar aggregate classification (germline): Uncertain significance (1 of 4 stars; one submission).

Submission:

Labcorp Genetics (formerly Invitae), Labcorp
Classification: Uncertain significance. Last evaluated: 2020-04-26. Review status: criteria provided, single submitter. Criteria: Invitae Variant Classification Sherloc (09022015). Collection method: clinical testing. Allele origin: germline.
Comment: This sequence change creates a premature translational stop signal (p.Gln2642*) in the MACF1 gene. It is expected to result in an absent or disrupted protein product. This variant is not present in population databases (ExAC no frequency). This variant has not been reported in the literature in individuals with MACF1-related conditions. The current clinical and genetic evidence is not sufficient to establish whether loss-of-function variants in MACF1 cause disease. In summary, the available evidence is currently insufficient to determine the role of this variant in disease. Therefore, it has been classified as a Variant of Uncertain Significance.